The following is an entry in ClinVar:

ClinVar aggregate classification (germline): Uncertain significance (1 of 4 stars; one submission).

Conditions:
Intellectual disability-facial dysmorphism syndrome due to SETD5 haploinsufficiency (MRD23). Also called: Intellectual developmental disorder, autosomal dominant 23. Identifiers: Orphanet 404440, MedGen C3810406, MONDO:0014336, OMIM 615761.

Submission:

3billion
Classification: Uncertain significance for Intellectual disability-facial dysmorphism syndrome due to SETD5 haploinsufficiency. Last evaluated: 2025-02-26. Review status: criteria provided, single submitter. Criteria: ACMG Guidelines, 2015. Collection method: clinical testing. Allele origin: germline. Affected: yes.
Comment: The variant is not observed in the gnomAD v4.1.0 dataset. Predicted Consequence/Location: Intron variant In silico tools predict the variant to alter splicing and produce an abnormal transcript [SpliceAI: 0.13 (spliceogenicity >=0.2, non-spliceogenicity <0.1)]. Therefore, this variant is classified as VUS according to the recommendation of ACMG/AMP guideline.

NM_001080517.3(SETD5):c.2477-14T>G

Gene: SETD5 (SET domain containing 5; plus strand). Cytogenetic location: 3p25.3.
Variant type: single nucleotide variant.
Coding change: c.2477-14T>G on transcript NM_001080517.3 (MANE Select); 14 bases into the intron before coding-DNA position 2477, T replaced by G.
Molecular consequence: intron variant.
Genome position (GRCh38, 1-based): chr3:9,464,411, T>G. VCF-style: chr3-9464411-T-G. GRCh37 (hg19) VCF-style: chr3-9506095-T-G.
Other names: c.2477-14T>G (NM_001437643.1); c.2183-14T>G (NM_001349451.2, NM_001292043.2); c.2573-14T>G (NM_001437633.1); c.2534-14T>G (NM_001437635.1); c.2516-14T>G (NM_001437701.1).
Identifiers: ClinVar variation 4292036 (VCV004292036.1).